The following is an entry in ClinVar:

NM_001130009.3(GEN1):c.403G>T (p.Ala135Ser)

Gene: GEN1 (GEN1 structure-specific endonuclease; plus strand). Cytogenetic location: 2p24.2.
Variant type: single nucleotide variant.
Coding change: c.403G>T on transcript NM_001130009.3 (MANE Select); coding-DNA position 403, G replaced by T.
Protein change: p.Ala135Ser; replaces alanine 135 with serine.
Molecular consequence: missense variant.
Genome position (GRCh38, 1-based): chr2:17,764,951, G>T. VCF-style: chr2-17764951-G-T. GRCh37 (hg19) VCF-style: chr2-17946218-G-T.
Other names: c.403G>T (NM_001130009.1); c.403G>T, p.Ala135Ser (NM_182625.5); short protein forms A135S.
Identifiers: ClinVar variation 2893215 (VCV002893215.4), dbSNP rs199545866, ClinGen allele CA1540416.
Genomic context (GRCh38, chr2:17,764,951, plus strand): 5'-TTTCAGTGCCTCCATATGCTCGAATGCTTAGGAATCCCCTGGGTTCAGGCTGCTGGGGAA[G>T]CTGAAGCCATGTGTGCTTATCTCAATGCTGGTGGTCATGTCGATGGCTGCCTCACCAATG-3'
Protein context (NP_001123481.3, residues 125-145): GIPWVQAAGE[Ala135Ser]EAMCAYLNAG

ClinVar aggregate classification (germline): Uncertain significance. Review status: criteria provided, multiple submitters, no conflicts (2 of 4 stars). 2 submissions from 2 submitters: Uncertain significance (2). Last evaluated 2025-02-28.

Allele frequency attached by ClinVar (database versions not stated): ExAC 0.00001; gnomAD 0.00001; 1000 Genomes Project 30x 0.00016; 1000 Genomes Project 0.00020.
gnomAD v4.1: 25 of 1,614,158 alleles (0.0015%); highest among the groups gnomAD compares: East Asian, 0.056%; no homozygotes.

Submissions (2):

Ambry Genetics
Classification: Uncertain significance. Last evaluated: 2025-02-28. Review status: criteria provided, single submitter. Criteria: Ambry Variant Classification Scheme 2023. Collection method: clinical testing. Allele origin: germline.
Comment: The p.A135S variant (also known as c.403G>T), located in coding exon 3 of the GEN1 gene, results from a G to T substitution at nucleotide position 403. The alanine at codon 135 is replaced by serine, an amino acid with similar properties. This amino acid position is conserved. In addition, this alteration is predicted to be deleterious by in silico analysis. Based on the available evidence, the clinical significance of this variant remains unclear.

Labcorp Genetics (formerly Invitae), Labcorp
Classification: Uncertain significance. Last evaluated: 2024-12-02. Review status: criteria provided, single submitter. Criteria: Invitae Variant Classification Sherloc (09022015). Collection method: clinical testing. Allele origin: germline.
Comment: This sequence change replaces alanine, which is neutral and non-polar, with serine, which is neutral and polar, at codon 135 of the GEN1 protein (p.Ala135Ser). This variant is present in population databases (rs199545866, gnomAD 0.006%). This variant has not been reported in the literature in individuals affected with GEN1-related conditions. ClinVar contains an entry for this variant (Variation ID: 2893215). An algorithm developed to predict the effect of missense changes on protein structure and function (PolyPhen-2) suggests that this variant is likely to be disruptive. In summary, the available evidence is currently insufficient to determine the role of this variant in disease. Therefore, it has been classified as a Variant of Uncertain Significance.